The following is an entry in ClinVar:

ClinVar aggregate classification (germline): Uncertain significance. Review status: criteria provided, multiple submitters, no conflicts (2 of 4 stars). 3 submissions from 3 submitters: Uncertain significance (3). Last evaluated 2025-08-26.

Conditions:
Inborn genetic diseases. Identifiers: MedGen C0950123, MeSH D030342.

Allele frequency attached by ClinVar (database versions not stated): gnomAD 0.00001 and 0.00002; gnomAD exomes 0.00002; TOPMed 0.00002; ExAC 0.00002; ESP Exome Variant Server 0.00008.
gnomAD v4.1: 30 of 1,613,004 alleles (0.0019%); highest among the groups gnomAD compares: Non-Finnish European, 0.0025%; no homozygotes.

Submissions (3):

Ambry Genetics
Classification: Uncertain significance for Inborn genetic diseases. Last evaluated: 2025-08-26. Review status: criteria provided, single submitter. Criteria: Ambry Variant Classification Scheme 2023. Collection method: clinical testing. Allele origin: germline.

Labcorp Genetics (formerly Invitae), Labcorp
Classification: Uncertain significance. Last evaluated: 2024-10-16. Review status: criteria provided, single submitter. Criteria: Invitae Variant Classification Sherloc (09022015). Collection method: clinical testing. Allele origin: germline.
Comment: This sequence change replaces leucine, which is neutral and non-polar, with phenylalanine, which is neutral and non-polar, at codon 453 of the PNPT1 protein (p.Leu453Phe). This variant is present in population databases (rs141173235, gnomAD 0.004%). This variant has not been reported in the literature in individuals affected with PNPT1-related conditions. ClinVar contains an entry for this variant (Variation ID: 1411827). Invitae Evidence Modeling of protein sequence and biophysical properties (such as structural, functional, and spatial information, amino acid conservation, physicochemical variation, residue mobility, and thermodynamic stability) indicates that this missense variant is expected to disrupt PNPT1 protein function with a positive predictive value of 80%. In summary, the available evidence is currently insufficient to determine the role of this variant in disease. Therefore, it has been classified as a Variant of Uncertain Significance.

GeneDx
Classification: Uncertain significance. Last evaluated: 2022-08-01. Review status: criteria provided, single submitter. Criteria: GeneDx Variant Classification Process June 2021. Collection method: clinical testing. Allele origin: germline.
Comment: Not observed at significant frequency in large population cohorts (gnomAD); In silico analysis supports that this missense variant has a deleterious effect on protein structure/function; Has not been previously published as pathogenic or benign to our knowledge

NM_033109.5(PNPT1):c.1357C>T (p.Leu453Phe)

Gene: PNPT1 (polyribonucleotide nucleotidyltransferase 1; minus strand). Cytogenetic location: 2p16.1.
Variant type: single nucleotide variant.
Coding change: c.1357C>T on transcript NM_033109.5 (MANE Select); coding-DNA position 1357, C replaced by T.
Protein change: p.Leu453Phe; replaces leucine 453 with phenylalanine.
Molecular consequence: missense variant.
Genome position (GRCh38, 1-based): chr2:55,656,215, G>A on the plus strand (C>T on the coding strand, the complement: PNPT1 is on the minus strand). VCF-style: chr2-55656215-G-A. GRCh37 (hg19) VCF-style: chr2-55883350-G-A.
Other names: c.1357C>T (NM_033109.3); short protein forms L453F.
Identifiers: ClinVar variation 1411827 (VCV001411827.8), dbSNP rs141173235, ClinGen allele CA1668096.
Genomic context (GRCh38, chr2:55,656,215, plus strand): 5'-TAACTCTTATGGTGAAAGGAAAATCTCGGGGAATAACAGGATACAAAGCTTTCTCAGCAA[G>A]AGCACCTAAATTAGAATAGAAAACAATAAGTAAAAAATGTATTAAGTCTCTGTAAGAATA-3'
Protein context (NP_149100.2, residues 443-463): LNRRELGHGA[Leu453Phe]AEKALYPVIP